The following is an entry in ClinVar:

NM_004990.4(MARS1):c.2507C>G (p.Thr836Arg)

Gene: MARS1 (methionyl-tRNA synthetase 1; plus strand). Cytogenetic location: 12q13.3.
Variant type: single nucleotide variant.
Coding change: c.2507C>G on transcript NM_004990.4 (MANE Select); coding-DNA position 2507, C replaced by G.
Protein change: p.Thr836Arg; replaces threonine 836 with arginine.
Molecular consequence: missense variant.
Genome position (GRCh38, 1-based): chr12:57,516,288, C>G. VCF-style: chr12-57516288-C-G. GRCh37 (hg19) VCF-style: chr12-57910071-C-G.
Other names: short protein forms T836R.
Identifiers: ClinVar variation 1681800 (VCV001681800.8), dbSNP rs1159370358, ClinGen allele CA385468138.

ClinVar aggregate classification (germline): Uncertain significance (1 of 4 stars; one submission).

Conditions:
Severe early-onset pulmonary alveolar proteinosis due to MARS deficiency. Also called: PULMONARY ALVEOLAR PROTEINOSIS, REUNION ISLAND; Interstitial lung and liver disease. Identifiers: Orphanet 440427, MedGen C4225400, MONDO:0014206, OMIM 615486.
Charcot-Marie-Tooth disease axonal type 2U. Also called: CHARCOT-MARIE-TOOTH NEUROPATHY, TYPE 2U; CHARCOT-MARIE-TOOTH DISEASE, AXONAL, AUTOSOMAL DOMINANT, TYPE 2U. Identifiers: Orphanet 397735, MedGen C4084821, MONDO:0014566, OMIM 616280.

Submission:

Labcorp Genetics (formerly Invitae), Labcorp
Classification: Uncertain significance for Charcot-Marie-Tooth disease axonal type 2U; Severe early-onset pulmonary alveolar proteinosis due to MARS deficiency. Last evaluated: 2024-10-16. Review status: criteria provided, single submitter. Criteria: Invitae Variant Classification Sherloc (09022015). Collection method: clinical testing. Allele origin: germline.
Comment: This sequence change replaces threonine, which is neutral and polar, with arginine, which is basic and polar, at codon 836 of the MARS protein (p.Thr836Arg). This variant is not present in population databases (gnomAD no frequency). This variant has not been reported in the literature in individuals affected with MARS-related conditions. ClinVar contains an entry for this variant (Variation ID: 1681800). An algorithm developed to predict the effect of missense changes on protein structure and function (PolyPhen-2) suggests that this variant is likely to be tolerated. In summary, the available evidence is currently insufficient to determine the role of this variant in disease. Therefore, it has been classified as a Variant of Uncertain Significance.